The following is an entry in ClinVar:

ClinVar aggregate classification (germline): Benign/Likely benign. Review status: criteria provided, multiple submitters, no conflicts (2 of 4 stars). 4 submissions from 4 submitters: Benign (1); Likely benign (3). Last evaluated 2026-01-13.

Conditions:
Hereditary cancer-predisposing syndrome. Also called: Tumor predisposition; Hereditary neoplastic syndrome; Neoplastic Syndromes, Hereditary; Hereditary Cancer Syndrome. Identifiers: Orphanet 140162, MedGen C0027672, MeSH D009386, MONDO:0015356.
Ataxia-telangiectasia syndrome (AT). Also called: Ataxia-telangiectasia, complementation group D; AT, COMPLEMENTATION GROUP C; ATAXIA-TELANGIECTASIA, COMPLEMENTATION GROUP A; ATAXIA-TELANGIECTASIA, FRESNO VARIANT; Ataxia-telangiectasia; LOUIS-BAR SYNDROME. Identifiers: Orphanet 100, MedGen C0004135, MONDO:0008840, OMIM 208900.
Familial cancer of breast. Also called: Hereditary breast cancer; BREAST CANCER, FAMILIAL; hereditary breast carcinoma. Identifiers: Orphanet 227535, MedGen C0346153, MONDO:0016419, OMIM 114480. Disease mechanism: loss of function.

Allele frequency attached by ClinVar (database versions not stated): gnomAD exomes below 0.00001; ExAC 0.00001.
gnomAD v4.1: 1 of 1,613,756 alleles (0.000062%); highest among the groups gnomAD compares: South Asian, 0.0011%; no homozygotes.

Submissions (4):

Labcorp Genetics (formerly Invitae), Labcorp
Classification: Likely benign for Ataxia-telangiectasia syndrome. Last evaluated: 2026-01-13. Review status: criteria provided, single submitter. Criteria: Invitae Variant Classification Sherloc (09022015). Collection method: clinical testing. Allele origin: germline.

Myriad Genetics, Inc.
Classification: Benign for Familial cancer of breast. Last evaluated: 2024-06-10. Review status: criteria provided, single submitter. Criteria: Myriad Autosomal Dominant, Autosomal Recessive and X-Linked Classification Criteria (2023). Collection method: clinical testing. Allele origin: unknown.
Comment: This variant is considered benign. This variant is a silent/synonymous amino acid change and it is not expected to impact splicing.

Ambry Genetics
Classification: Likely benign for Hereditary cancer-predisposing syndrome. Last evaluated: 2022-11-02. Review status: criteria provided, single submitter. Criteria: Ambry Variant Classification Scheme 2023. Collection method: clinical testing. Allele origin: germline.

Color Diagnostics, LLC DBA Color Health
Classification: Likely benign for Hereditary cancer-predisposing syndrome. Last evaluated: 2018-07-12. Review status: criteria provided, single submitter. Criteria: ACMG Guidelines, 2015. Collection method: clinical testing. Allele origin: germline.

NM_000051.4(ATM):c.6723C>T (p.Asn2241=)

Genes: C11orf65 (chromosome 11 open reading frame 65; minus strand), ATM (ATM serine/threonine kinase; plus strand). Cytogenetic location: 11q22.3.
Variant type: single nucleotide variant.
Coding change: c.6723C>T on transcript NM_000051.4 (MANE Select); coding-DNA position 6723, C replaced by T.
Protein change: p.Asn2241=; no amino-acid change (asparagine 2241 retained).
Molecular consequence: synonymous variant. On other transcripts: intron variant (2).
Genome position (GRCh38, 1-based): chr11:108,325,460, C>T. VCF-style: chr11-108325460-C-T. GRCh37 (hg19) VCF-style: chr11-108196187-C-T.
Other names: c.6723C>T, p.Asn2241= (NM_001351834.2); c.641-16389G>A (NM_001330368.2); c.*38+9760G>A (NM_001351110.2).
Identifiers: ClinVar variation 627888 (VCV000627888.14), dbSNP rs750763671, ClinGen allele CA6266000.
Genomic context (GRCh38, chr11:108,325,460, plus strand): 5'-GCCTATCATGGCTCTACGCACAGTCATTTTGGAGATCCTGATGGAAAAGGAAATGGACAA[C>T]TCACAAAGAGAATGTATTAAGGACATTCTCACCAAACACCTTGTAGAACTCTCTATACTG-3'
Protein context (NP_000042.3, residues 2231-2251): LEILMEKEMD[Asn2241=]SQRECIKDIL